The following is an entry in ClinVar:

NM_018089.3(ANKZF1):c.1748A>G (p.Glu583Gly)

Gene: ANKZF1 (ankyrin repeat and zinc finger peptidyl tRNA hydrolase 1; plus strand). Cytogenetic location: 2q35.
Variant type: single nucleotide variant.
Coding change: c.1748A>G on transcript NM_018089.3 (MANE Select); coding-DNA position 1748, A replaced by G.
Protein change: p.Glu583Gly; replaces glutamic acid 583 with glycine.
Molecular consequence: missense variant.
Genome position (GRCh38, 1-based): chr2:219,235,530, A>G. VCF-style: chr2-219235530-A-G. GRCh37 (hg19) VCF-style: chr2-220100252-A-G.
Other names: c.1748A>G, p.Glu583Gly (NM_001042410.2); c.1118A>G, p.Glu373Gly (NM_001282792.2); short protein forms E373G, E583G.
Identifiers: ClinVar variation 2831696 (VCV002831696.3), dbSNP rs1559258663, ClinGen allele CA350684220.

ClinVar aggregate classification (germline): Uncertain significance (1 of 4 stars; one submission).

gnomAD v4.1: 2 of 1,614,068 alleles (0.00012%); highest among the groups gnomAD compares: Non-Finnish European, 0.00017%; no homozygotes.

Submission:

Labcorp Genetics (formerly Invitae), Labcorp
Classification: Uncertain significance. Last evaluated: 2024-12-27. Review status: criteria provided, single submitter. Criteria: Invitae Variant Classification Sherloc (09022015). Collection method: clinical testing. Allele origin: germline.
Comment: This sequence change replaces glutamic acid, which is acidic and polar, with glycine, which is neutral and non-polar, at codon 583 of the ANKZF1 protein (p.Glu583Gly). This variant is not present in population databases (gnomAD no frequency). This variant has not been reported in the literature in individuals affected with ANKZF1-related conditions. ClinVar contains an entry for this variant (Variation ID: 2831696). An algorithm developed to predict the effect of missense changes on protein structure and function (PolyPhen-2) suggests that this variant is likely to be disruptive. In summary, the available evidence is currently insufficient to determine the role of this variant in disease. Therefore, it has been classified as a Variant of Uncertain Significance.